The following is an entry in ClinVar:

NM_001563.4(IMPG1):c.331C>T (p.Arg111Trp)

Gene: IMPG1 (interphotoreceptor matrix proteoglycan 1; minus strand). Cytogenetic location: 6q14.1.
Variant type: single nucleotide variant.
Coding change: c.331C>T on transcript NM_001563.4 (MANE Select); coding-DNA position 331, C replaced by T.
Protein change: p.Arg111Trp; replaces arginine 111 with tryptophan.
Molecular consequence: missense variant.
Genome position (GRCh38, 1-based): chr6:76,034,758, G>A on the plus strand (C>T on the coding strand, the complement: IMPG1 is on the minus strand). VCF-style: chr6-76034758-G-A. GRCh37 (hg19) VCF-style: chr6-76744475-G-A.
Other names: c.97C>T, p.Arg33Trp (NM_001282368.2); c.331C>T (NM_001563.2); short protein forms R111W, R33W.
Identifiers: ClinVar variation 2196776 (VCV002196776.6), dbSNP rs770801934, ClinGen allele CA3898570.

ClinVar aggregate classification (germline): Uncertain significance. Review status: criteria provided, multiple submitters, no conflicts (2 of 4 stars). 3 submissions from 3 submitters: Uncertain significance (3). Last evaluated 2022-12-21.

Allele frequency attached by ClinVar (database versions not stated): ExAC 0.00001; gnomAD exomes 0.00001; gnomAD 0.00003; TOPMed 0.00003.
gnomAD v4.1: 15 of 1,613,964 alleles (0.00093%); highest among the groups gnomAD compares: South Asian, 0.0022%; no homozygotes.

Submissions (3):

Blueprint Genetics
Classification: Uncertain significance. Last evaluated: 2022-12-21. Review status: criteria provided, single submitter. Criteria: ACMG Guidelines, 2015. Collection method: clinical testing. Allele origin: germline.

Labcorp Genetics (formerly Invitae), Labcorp
Classification: Uncertain significance. Last evaluated: 2022-11-30. Review status: criteria provided, single submitter. Criteria: Invitae Variant Classification Sherloc (09022015). Collection method: clinical testing. Allele origin: germline.
Comment: This sequence change replaces arginine, which is basic and polar, with tryptophan, which is neutral and slightly polar, at codon 111 of the IMPG1 protein (p.Arg111Trp). The frequency data for this variant in the population databases is considered unreliable, as metrics indicate poor data quality at this position in the gnomAD database. This variant has not been reported in the literature in individuals affected with IMPG1-related conditions. Algorithms developed to predict the effect of missense changes on protein structure and function are either unavailable or do not agree on the potential impact of this missense change (SIFT: "Deleterious"; PolyPhen-2: "Probably Damaging"; Align-GVGD: "Class C0"). In summary, the available evidence is currently insufficient to determine the role of this variant in disease. Therefore, it has been classified as a Variant of Uncertain Significance.

Ambry Genetics
Classification: Uncertain significance. Last evaluated: 2021-09-27. Review status: criteria provided, single submitter. Criteria: Ambry Variant Classification Scheme 2023. Collection method: clinical testing. Allele origin: germline.